The following is an entry in ClinVar:

NM_001394062.1(MACF1):c.11621C>G (p.Thr3874Arg)

Gene: MACF1 (microtubule actin crosslinking factor 1; plus strand). Cytogenetic location: 1p34.3.
Variant type: single nucleotide variant.
Coding change: c.11621C>G on transcript NM_001394062.1 (MANE Select); coding-DNA position 11621, C replaced by G.
Protein change: p.Thr3874Arg; replaces threonine 3874 with arginine.
Molecular consequence: missense variant.
Genome position (GRCh38, 1-based): chr1:39,357,571, C>G. VCF-style: chr1-39357571-C-G. GRCh37 (hg19) VCF-style: chr1-39823243-C-G.
Other names: c.5435C>G, p.Thr1812Arg (NM_012090.5); short protein forms T1812R, T3874R.
Identifiers: ClinVar variation 3373760 (VCV003373760.1).

ClinVar aggregate classification (germline): Uncertain significance (1 of 4 stars; one submission).

Submission:

GeneDx
Classification: Uncertain significance. Last evaluated: 2024-03-15. Review status: criteria provided, single submitter. Criteria: GeneDx Variant Classification Process June 2021. Collection method: clinical testing. Allele origin: germline. Affected: yes.
Comment: Not observed at significant frequency in large population cohorts (gnomAD); In silico analysis supports that this missense variant has a deleterious effect on protein structure/function; Has not been previously published as pathogenic or benign to our knowledge